The following is an entry in ClinVar:

NM_004663.5(RAB11A):c.335A>G (p.His112Arg)

Gene: RAB11A (RAB11A, member RAS oncogene family; plus strand). Cytogenetic location: 15q22.31.
Variant type: single nucleotide variant.
Coding change: c.335A>G on transcript NM_004663.5 (MANE Select); coding-DNA position 335, A replaced by G.
Protein change: p.His112Arg; replaces histidine 112 with arginine.
Molecular consequence: missense variant.
Genome position (GRCh38, 1-based): chr15:65,877,860, A>G. VCF-style: chr15-65877860-A-G. GRCh37 (hg19) VCF-style: chr15-66170198-A-G.
Other names: c.335A>G, p.His112Arg (NM_001206836.2); short protein forms H112R.
Identifiers: ClinVar variation 2430281 (VCV002430281.1), dbSNP rs772613563, ClinGen allele CA392921689.

ClinVar aggregate classification (germline): Likely pathogenic (1 of 4 stars; one submission).

Conditions:
Delayed speech and language development. Also called: Language delay. Identifiers: MedGen C0454644, HP:0000750.
Mild intellectual disability. Identifiers: MedGen C0026106, HP:0001256.
Primary microcephaly. Also called: Congenital microcephaly. Identifiers: MedGen C2677180, HP:0011451.
Delayed fine motor development. Identifiers: MedGen C4023681, HP:0010862.
Coarse facial features. Identifiers: MedGen C1845847, HP:0000280.
Precocious puberty in females. Identifiers: Orphanet 435561, MedGen C0271616, MONDO:0018561, HP:0010465.
EEG abnormality. Also called: EEG abnormalities; Electroencephalogram (EEG) abnormalities. Identifiers: MedGen C0151611, HP:0002353.

Submission:

Institute of Human Genetics, University of Leipzig Medical Center
Classification: Likely pathogenic for Coarse facial features; Delayed speech and language development; Mild intellectual disability; EEG abnormality; Precocious puberty in females; Delayed fine motor development; Primary microcephaly. Last evaluated: 2023-01-27. Review status: criteria provided, single submitter. Criteria: ACMG Guidelines, 2015. Collection method: clinical testing. Allele origin: de novo. Affected: yes.
Comment: This variant was identified as de novo (maternity and paternity confirmed)._x000D_ Criteria applied: PS2, PM2_SUP, PP2, PP3